The following is an entry in ClinVar:

ClinVar aggregate classification (germline): Uncertain significance. Review status: criteria provided, multiple submitters, no conflicts (2 of 4 stars). 5 submissions from 5 submitters: Uncertain significance (5). Last evaluated 2025-11-06.

Conditions:
MFN2-related disorder. Also called: MFN2-related condition; MFN2-related disorders.
Inborn genetic diseases. Identifiers: MedGen C0950123, MeSH D030342.
Charcot-Marie-Tooth disease type 2. Also called: Charcot-Marie-Tooth type 2. Identifiers: Orphanet 64746, MedGen C0270914, MONDO:0018993.

Allele frequency attached by ClinVar (database versions not stated): gnomAD exomes below 0.00001; TOPMed 0.00002; gnomAD 0.00003.
gnomAD v4.1: 10 of 1,614,092 alleles (0.00062%); highest among the groups gnomAD compares: African/African-American, 0.0013%; no homozygotes.

Submissions (5):

PreventionGenetics, part of Exact Sciences
Classification: Uncertain significance for MFN2-related condition. Last evaluated: 2025-11-06. Review status: criteria provided, single submitter. Criteria: ACMG Guidelines, 2015. Collection method: clinical testing. Allele origin: germline.
Comment: The MFN2 c.1976G>A variant is predicted to result in the amino acid substitution p.Arg659Lys. To our knowledge, this variant has not been reported in the literature. This variant is reported in 0.0040% of alleles in individuals of African descent in gnomAD. At this time, the clinical significance of this variant is uncertain due to the absence of conclusive functional and genetic evidence.

Labcorp Genetics (formerly Invitae), Labcorp
Classification: Uncertain significance for Charcot-Marie-Tooth disease type 2. Last evaluated: 2025-03-19. Review status: criteria provided, single submitter. Criteria: Invitae Variant Classification Sherloc (09022015). Collection method: clinical testing. Allele origin: germline.
Comment: This sequence change replaces arginine, which is basic and polar, with lysine, which is basic and polar, at codon 659 of the MFN2 protein (p.Arg659Lys). This variant is present in population databases (no rsID available, gnomAD 0.004%). This variant has not been reported in the literature in individuals affected with MFN2-related conditions. ClinVar contains an entry for this variant (Variation ID: 214637). Invitae Evidence Modeling of protein sequence and biophysical properties (such as structural, functional, and spatial information, amino acid conservation, physicochemical variation, residue mobility, and thermodynamic stability) has been performed for this missense variant. However, the output from this modeling did not meet the statistical confidence thresholds required to predict the impact of this variant on MFN2 protein function. In summary, the available evidence is currently insufficient to determine the role of this variant in disease. Therefore, it has been classified as a Variant of Uncertain Significance.

Ambry Genetics
Classification: Uncertain significance for Inborn genetic diseases. Last evaluated: 2021-02-23. Review status: criteria provided, single submitter. Criteria: Ambry Variant Classification Scheme 2023. Collection method: clinical testing. Allele origin: germline.
Comment: The p.R659K variant (also known as c.1976G>A), located in coding exon 15 of the MFN2 gene, results from a G to A substitution at nucleotide position 1976. The arginine at codon 659 is replaced by lysine, an amino acid with highly similar properties. This amino acid position is highly conserved in available vertebrate species. In addition, the in silico prediction for this alteration is inconclusive. Since supporting evidence is limited at this time, the clinical significance of this alteration remains unclear.

Mayo Clinic Laboratories, Mayo Clinic
Classification: Uncertain significance. Last evaluated: 2019-11-03. Review status: criteria provided, single submitter. Criteria: ACMG Guidelines, 2015. Collection method: clinical testing. Allele origin: germline. Observed: 1 variant allele.

GeneDx
Classification: Uncertain significance. Last evaluated: 2019-06-04. Review status: criteria provided, single submitter. Criteria: GeneDx Variant Classification Process June 2021. Collection method: clinical testing. Allele origin: germline. Affected: yes.
Comment: Not observed at a significant frequency in large population cohorts (Lek et al., 2016); In silico analysis, which includes protein predictors and evolutionary conservation, supports that this variant does not alter protein structure/function; Has not been previously published as pathogenic or benign to our knowledge

NM_014874.4(MFN2):c.1976G>A (p.Arg659Lys)

Gene: MFN2 (mitofusin 2; plus strand). Cytogenetic location: 1p36.22.
Variant type: single nucleotide variant.
Coding change: c.1976G>A on transcript NM_014874.4 (MANE Select); coding-DNA position 1976, G replaced by A.
Protein change: p.Arg659Lys; replaces arginine 659 with lysine.
Molecular consequence: missense variant.
Genome position (GRCh38, 1-based): chr1:12,007,156, G>A. VCF-style: chr1-12007156-G-A. GRCh37 (hg19) VCF-style: chr1-12067213-G-A.
Other names: p.R659K:AGG>AAG; c.1976G>A, p.Arg659Lys (NM_001127660.2); short protein forms R659K.
Identifiers: ClinVar variation 214637 (VCV000214637.19), dbSNP rs863224063, ClinGen allele CA325269.